The following is an entry in ClinVar:

NM_004082.5(DCTN1):c.1784G>A (p.Ser595Asn)

Gene: DCTN1 (dynactin subunit 1; minus strand). Cytogenetic location: 2p13.1.
Variant type: single nucleotide variant.
Coding change: c.1784G>A on transcript NM_004082.5 (MANE Select); coding-DNA position 1784, G replaced by A.
Protein change: p.Ser595Asn; replaces serine 595 with asparagine.
Molecular consequence: missense variant. On other transcripts: non-coding transcript variant (1).
Genome position (GRCh38, 1-based): chr2:74,368,798, C>T on the plus strand (G>A on the coding strand, the complement: DCTN1 is on the minus strand). VCF-style: chr2-74368798-C-T. GRCh37 (hg19) VCF-style: chr2-74595925-C-T.
Other names: p.Ser595Asn; c.1724G>A, p.Ser575Asn (NM_001135040.3); c.1382G>A, p.Ser461Asn (NM_001135041.3, NM_023019.4); c.1673G>A, p.Ser558Asn (NM_001190836.2); c.1763G>A, p.Ser588Asn (NM_001190837.2); c.1733G>A, p.Ser578Asn (NM_001378991.1); c.1715G>A, p.Ser572Asn (NM_001378992.1); short protein forms S461N, S595N, S558N, S588N, S575N, S572N, S578N.
Identifiers: ClinVar variation 536157 (VCV000536157.14), dbSNP rs1243051229, ClinGen allele CA347355388.

ClinVar aggregate classification (germline): Uncertain significance. Review status: criteria provided, multiple submitters, no conflicts (2 of 4 stars). 3 submissions from 3 submitters: Uncertain significance (3). Last evaluated 2024-07-30.

Conditions:
Amyotrophic lateral sclerosis type 1 (ALS1). Also called: AMYOTROPHIC LATERAL SCLEROSIS 1, FAMILIAL. Identifiers: Orphanet 803, MedGen C1862939, MONDO:0007103, OMIM 105400.
Neuronopathy, distal hereditary motor, type 7B. Also called: HMN VIIB; LOWER MOTOR NEURON DISEASE, DYNACTIN TYPE; Distal Hereditary Motor Neuronopathy Type 7B (dHMN7B); NEURONOPATHY, DISTAL HEREDITARY MOTOR, AUTOSOMAL DOMINANT 14; NEURONOPATHY, DISTAL HEREDITARY MOTOR, HARDING TYPE VIIB; NEUROPATHY, DISTAL HEREDITARY MOTOR, HARDING TYPE VIIB. Identifiers: Orphanet 139589, MedGen C1843315, MONDO:0011879, OMIM 607641.
Perry syndrome. Also called: PARKINSONISM WITH ALVEOLAR HYPOVENTILATION AND MENTAL DEPRESSION. Identifiers: Orphanet 178509, MedGen C1868594, MONDO:0008201, OMIM 168605.

Allele frequency attached by ClinVar (database versions not stated): gnomAD exomes below 0.00001; gnomAD 0.00001; TOPMed 0.00001.
gnomAD v4.1: 3 of 1,614,162 alleles (0.00019%); highest among the groups gnomAD compares: Middle Eastern, 0.016%; no homozygotes.

Submissions (3):

Labcorp Genetics (formerly Invitae), Labcorp
Classification: Uncertain significance for Amyotrophic lateral sclerosis type 1; Neuronopathy, distal hereditary motor, type 7B; Perry syndrome. Last evaluated: 2024-07-30. Review status: criteria provided, single submitter. Criteria: Invitae Variant Classification Sherloc (09022015). Collection method: clinical testing. Allele origin: germline.
Comment: This sequence change replaces serine, which is neutral and polar, with asparagine, which is neutral and polar, at codon 595 of the DCTN1 protein (p.Ser595Asn). This variant is not present in population databases (gnomAD no frequency). This variant has not been reported in the literature in individuals affected with DCTN1-related conditions. ClinVar contains an entry for this variant (Variation ID: 536157). Advanced modeling of protein sequence and biophysical properties (such as structural, functional, and spatial information, amino acid conservation, physicochemical variation, residue mobility, and thermodynamic stability) performed at Invitae indicates that this missense variant is not expected to disrupt DCTN1 protein function with a negative predictive value of 80%. In summary, the available evidence is currently insufficient to determine the role of this variant in disease. Therefore, it has been classified as a Variant of Uncertain Significance.

Women's Health and Genetics/Laboratory Corporation of America, LabCorp
Classification: Uncertain significance. Last evaluated: 2023-05-22. Review status: criteria provided, single submitter. Criteria: LabCorp Variant Classification Summary - May 2015. Collection method: clinical testing. Allele origin: germline.
Comment: Variant summary: DCTN1 c.1784G>A (p.Ser595Asn) results in a conservative amino acid change located in the Dynein associated protein domain (IPR022157) of the encoded protein sequence. Three of five in-silico tools predict a benign effect of the variant on protein function. The variant was absent in 251496 control chromosomes (gnomAD). The available data on variant occurrences in the general population are insufficient to allow any conclusion about variant significance. To our knowledge, no occurrence of c.1784G>A in individuals affected with DCTN1-Related Disorders and no experimental evidence demonstrating its impact on protein function have been reported. Two ClinVar submitters (evaluation after 2014) have cited the variant, and both submitters classified the variant as uncertain significance. Based on the evidence outlined above, the variant was classified as uncertain significance.

Mayo Clinic Laboratories, Mayo Clinic
Classification: Uncertain significance. Last evaluated: 2021-09-16. Review status: criteria provided, single submitter. Criteria: ACMG Guidelines, 2015. Collection method: clinical testing. Allele origin: germline.